The following is an entry in ClinVar:

ClinVar aggregate classification (germline): Benign/Likely benign. Review status: criteria provided, multiple submitters, no conflicts (2 of 4 stars). 6 submissions from 6 submitters: Benign (1); Likely benign (5). Last evaluated 2026-08-24.

Conditions:
NF1-related disorder. Also called: NF1-related condition. Identifiers: MedGen CN379171.
Hereditary cancer-predisposing syndrome. Also called: Neoplastic Syndromes, Hereditary; Tumor predisposition; Hereditary Cancer Syndrome; Hereditary neoplastic syndrome. Identifiers: Orphanet 140162, MedGen C0027672, MeSH D009386, MONDO:0015356.
Neurofibromatosis, type 1 (NF1). Also called: NEUROFIBROMATOSIS, TYPE I, SOMATIC; Peripheral type neurofibromatosis; Neurofibromatosis, type I; VON RECKLINGHAUSEN DISEASE. Identifiers: Orphanet 636, MedGen C0027831, MONDO:0018975, OMIM 162200. Disease mechanism: loss of function.

Allele frequency attached by ClinVar (database versions not stated): gnomAD 0.00001; ExAC 0.00002; gnomAD exomes 0.00002; TOPMed 0.00003.
gnomAD v4.1: 9 of 1,613,818 alleles (0.00056%); highest among the groups gnomAD compares: East Asian, 0.011%; no homozygotes.

Submissions (6):

PreventionGenetics, part of Exact Sciences
Classification: Likely benign for NF1-related condition. Last evaluated: 2026-08-24. Review status: criteria provided, single submitter. Criteria: ACMG Guidelines, 2015. Collection method: clinical testing. Allele origin: germline.
Comment: This variant is classified as likely benign based on ACMG/AMP sequence variant interpretation guidelines (Richards et al. 2015 PMID: 25741868, with internal and published modifications).

Myriad Genetics, Inc.
Classification: Benign for Neurofibromatosis, type 1. Last evaluated: 2026-05-19. Review status: criteria provided, single submitter. Criteria: Myriad Autosomal Dominant, Autosomal Recessive and X-Linked Classification Criteria (2023). Collection method: clinical testing. Allele origin: unknown.
Comment: This variant is considered benign. This variant is a silent/synonymous amino acid change and it is not expected to impact splicing.

Labcorp Genetics (formerly Invitae), Labcorp
Classification: Likely benign for Neurofibromatosis, type 1. Last evaluated: 2025-11-27. Review status: criteria provided, single submitter. Criteria: Invitae Variant Classification Sherloc (09022015). Collection method: clinical testing. Allele origin: germline.

Genome-Nilou Lab
Classification: Likely benign for Neurofibromatosis, type 1. Last evaluated: 2022-03-15. Review status: criteria provided, single submitter. Criteria: ACMG Guidelines, 2015. Collection method: clinical testing. Allele origin: germline. Affected: no.

Sema4
Classification: Likely benign for Hereditary cancer-predisposing syndrome. Last evaluated: 2021-01-19. Review status: criteria provided, single submitter. Criteria: Sema4 Curation Guidelines. Collection method: curation. Allele origin: germline.

Ambry Genetics
Classification: Likely benign for Hereditary cancer-predisposing syndrome. Last evaluated: 2015-02-18. Review status: criteria provided, single submitter. Criteria: Ambry Autosomal Dominant and X-Linked criteria (10/2015). Collection method: clinical testing. Allele origin: germline. Observed: 1 variant allele.

NM_001042492.3(NF1):c.4071C>T (p.Phe1357=)

Gene: NF1 (neurofibromin 1; plus strand). Cytogenetic location: 17q11.2.
Variant type: single nucleotide variant.
Coding change: c.4071C>T on transcript NM_001042492.3 (MANE Select); coding-DNA position 4071, C replaced by T.
Protein change: p.Phe1357=; no amino-acid change (phenylalanine 1357 retained).
Molecular consequence: synonymous variant.
Genome position (GRCh38, 1-based): chr17:31,249,080, C>T. VCF-style: chr17-31249080-C-T. GRCh37 (hg19) VCF-style: chr17-29576098-C-T.
Other names: c.4071C>T, p.Phe1357= (NM_000267.4).
Identifiers: ClinVar variation 230408 (VCV000230408.16), dbSNP rs747272290, ClinGen allele CA8486318.